The following is an entry in ClinVar:

NM_052989.3(IFT122):c.3265+5G>A

Gene: IFT122 (intraflagellar transport 122; plus strand). Cytogenetic location: 3q22.1.
Variant type: single nucleotide variant.
Coding change: c.3265+5G>A on transcript NM_052989.3 (MANE Select); 5 bases into the intron after coding-DNA position 3265, G replaced by A.
Molecular consequence: intron variant.
Genome position (GRCh38, 1-based): chr3:129,515,604, G>A. VCF-style: chr3-129515604-G-A. GRCh37 (hg19) VCF-style: chr3-129234447-G-A.
Other names: c.2815+5G>A (NM_001280545.2); c.3418+5G>A (NM_052985.4); c.3244+5G>A (NM_001280541.2); c.3088+5G>A (NM_018262.4); c.2638+5G>A (NM_001280546.2); c.2935+5G>A (NM_052990.3).
Identifiers: ClinVar variation 2149180 (VCV002149180.4), dbSNP rs750428434, ClinGen allele CA2606849.

ClinVar aggregate classification (germline): Uncertain significance (1 of 4 stars; one submission).

Conditions:
Cranioectodermal dysplasia 1 (CED1). Also called: LEVIN SYNDROME I. Identifiers: Orphanet 1515, MedGen C0432235, MONDO:0021093, OMIM 218330.

Allele frequency attached by ClinVar (database versions not stated): ExAC 0.00003.

Submission:

Labcorp Genetics (formerly Invitae), Labcorp
Classification: Uncertain significance for Cranioectodermal dysplasia 1. Last evaluated: 2022-08-16. Review status: criteria provided, single submitter. Criteria: Invitae Variant Classification Sherloc (09022015). Collection method: clinical testing. Allele origin: germline.
Comment: Variants that disrupt the consensus splice site are a relatively common cause of aberrant splicing (PMID: 17576681, 9536098). Algorithms developed to predict the effect of sequence changes on RNA splicing suggest that this variant is not likely to affect RNA splicing. In summary, the available evidence is currently insufficient to determine the role of this variant in disease. Therefore, it has been classified as a Variant of Uncertain Significance. This sequence change falls in intron 27 of the IFT122 gene. It does not directly change the encoded amino acid sequence of the IFT122 protein. It affects a nucleotide within the consensus splice site. This variant is present in population databases (rs750428434, gnomAD 0.007%). This variant has not been reported in the literature in individuals affected with IFT122-related conditions.

Literature cited by the submitters: PubMed 17576681; PubMed 9536098.